The following is an entry in ClinVar:

ClinVar aggregate classification (germline): Uncertain significance (1 of 4 stars; one submission).

Conditions:
Duchenne muscular dystrophy (DMD). Also called: MUSCULAR DYSTROPHY, PSEUDOHYPERTROPHIC PROGRESSIVE, DUCHENNE TYPE; Duchenne Muscular Dystrophy (DMD). Identifiers: Orphanet 98896, MedGen C0013264, MONDO:0010679, OMIM 310200.

Submission:

Labcorp Genetics (formerly Invitae), Labcorp
Classification: Uncertain significance for Duchenne muscular dystrophy. Last evaluated: 2025-12-06. Review status: criteria provided, single submitter. Criteria: Invitae Variant Classification Sherloc (09022015). Collection method: clinical testing. Allele origin: germline.
Comment: This sequence change falls in intron 53 of the DMD gene. It does not directly change the encoded amino acid sequence of the DMD protein. It affects a nucleotide within the consensus splice site. This variant is not present in population databases (gnomAD no frequency). This variant has not been reported in the literature in individuals affected with DMD-related conditions. Variants that disrupt the consensus splice site are a relatively common cause of aberrant splicing (PMID: 17576681, 9536098). Algorithms developed to predict the effect of sequence changes on RNA splicing suggest that this variant is not likely to affect RNA splicing. In summary, the available evidence is currently insufficient to determine the role of this variant in disease. Therefore, it has been classified as a Variant of Uncertain Significance.

Literature cited by the submitters: PubMed 17576681; PubMed 9536098.

NM_004006.3(DMD):c.7872+4A>G

Gene: DMD (dystrophin; minus strand). Cytogenetic location: Xp21.1.
Variant type: single nucleotide variant.
Coding change: c.7872+4A>G on transcript NM_004006.3 (MANE Select); 4 bases into the intron after coding-DNA position 7872, A replaced by G.
Molecular consequence: intron variant.
Genome position (GRCh38, 1-based): chrX:31,679,371, T>C on the plus strand (A>G on the coding strand, the complement: DMD is on the minus strand). VCF-style: chrX-31679371-T-C. GRCh37 (hg19) VCF-style: chrX-31697488-T-C.
Other names: c.7848+4A>G (NM_000109.4); c.3849+4A>G (NM_004011.4); c.3840+4A>G (NM_004012.4); c.492+4A>G (NM_004023.3, NM_004020.4, NM_004022.3 and 2 more transcripts); c.7860+4A>G (NM_004009.3); c.7503+4A>G (NM_004010.3).
Identifiers: ClinVar variation 4697621 (VCV004697621.1).